The following is an entry in ClinVar:

ClinVar aggregate classification (germline): Uncertain significance. Review status: criteria provided, multiple submitters, no conflicts (2 of 4 stars). 3 submissions from 3 submitters: Uncertain significance (3). Last evaluated 2026-07-20.

Conditions:
CDHR1-related disorder. Also called: CDHR1-related condition.
Cone-rod dystrophy 15 (CORD15). Identifiers: MedGen C3150912, MONDO:0013348, OMIM 613660.

Allele frequency attached by ClinVar (database versions not stated): gnomAD exomes 0.00011; TOPMed 0.00011; gnomAD 0.00012 and 0.00013; ExAC 0.00018; ESP Exome Variant Server 0.00031.
gnomAD v4.1: 180 of 1,614,118 alleles (0.011%); highest among the groups gnomAD compares: Non-Finnish European, 0.014%; no homozygotes.

Submissions (3):

PreventionGenetics, part of Exact Sciences
Classification: Uncertain significance for CDHR1-related condition. Last evaluated: 2026-07-20. Review status: criteria provided, single submitter. Criteria: ACMG Guidelines, 2015. Collection method: clinical testing. Allele origin: germline.
Comment: The CDHR1 c.1594C>G variant is predicted to result in the amino acid substitution p.Pro532Ala. This variant was reported in an individual with retinal dystrophy (Bolz et al. 2005. PubMed ID: 16288196). This variant is reported in 0.022% of alleles in individuals of European (Non-Finnish) descent in gnomAD. At this time, the clinical significance of this variant is uncertain due to the absence of conclusive functional and genetic evidence.

Labcorp Genetics (formerly Invitae), Labcorp
Classification: Uncertain significance. Last evaluated: 2025-11-17. Review status: criteria provided, single submitter. Criteria: Invitae Variant Classification Sherloc (09022015). Collection method: clinical testing. Allele origin: germline.
Comment: This sequence change replaces proline, which is neutral and non-polar, with alanine, which is neutral and non-polar, at codon 532 of the CDHR1 protein (p.Pro532Ala). This variant is present in population databases (rs143662988, gnomAD 0.03%). This missense change has been observed in individual(s) with autosomal recessive retinitis pigmentosa (PMID: 16288196). ClinVar contains an entry for this variant (Variation ID: 961534). Invitae Evidence Modeling of protein sequence and biophysical properties (such as structural, functional, and spatial information, amino acid conservation, physicochemical variation, residue mobility, and thermodynamic stability) indicates that this missense variant is not expected to disrupt CDHR1 protein function with a negative predictive value of 95%. Algorithms developed to predict the effect of sequence changes on RNA splicing suggest that this variant may disrupt the consensus splice site. In summary, the available evidence is currently insufficient to determine the role of this variant in disease. Therefore, it has been classified as a Variant of Uncertain Significance.

Blueprint Genetics
Classification: Uncertain significance. Last evaluated: 2024-11-25. Review status: criteria provided, single submitter. Criteria: ACMG Guidelines, 2015. Collection method: clinical testing. Allele origin: germline.

Literature cited by the submitters: PubMed 16288196 (cited by Labcorp Genetics (formerly Invitae), Labcorp).

NM_033100.4(CDHR1):c.1594C>G (p.Pro532Ala)

Gene: CDHR1 (cadherin related family member 1; plus strand). Cytogenetic location: 10q23.1.
Variant type: single nucleotide variant.
Coding change: c.1594C>G on transcript NM_033100.4 (MANE Select); coding-DNA position 1594, C replaced by G.
Protein change: p.Pro532Ala; replaces proline 532 with alanine.
Molecular consequence: missense variant.
Genome position (GRCh38, 1-based): chr10:84,212,219, C>G. VCF-style: chr10-84212219-C-G. GRCh37 (hg19) VCF-style: chr10-85971975-C-G.
Other names: c.1594C>G, p.Pro532Ala (NM_001171971.3); short protein forms P532A.
Identifiers: ClinVar variation 961534 (VCV000961534.9), dbSNP rs143662988, ClinGen allele CA5579998.
Genomic context (GRCh38, chr10:84,212,219, plus strand): 5'-CTATGTGCTCTGCCTGGCAGCTTCCTGATCCACCCATCCACTGGGCTTATCTACACCCAG[C>G]CCTGGGCTAGCCTGGACGCTGAGGCCACTGCCAGGTACAACTTCTATGTGAAGGCAGAGG-3'
Protein context (NP_149091.1, residues 522-542): HPSTGLIYTQ[Pro532Ala]WASLDAEATA